The following is an entry in ClinVar:

ClinVar aggregate classification (germline): Uncertain significance. Review status: criteria provided, multiple submitters, no conflicts (2 of 4 stars). 2 submissions from 2 submitters: Uncertain significance (2). Last evaluated 2024-03-16.

Conditions:
Inborn genetic diseases. Identifiers: MedGen C0950123, MeSH D030342.

Allele frequency attached by ClinVar (database versions not stated): ExAC 0.00003; gnomAD exomes 0.00003; TOPMed 0.00003; gnomAD 0.00005.
gnomAD v4.1: 48 of 1,613,746 alleles (0.003%); highest among the groups gnomAD compares: East Asian, 0.04%; no homozygotes.

Submissions (2):

Ambry Genetics
Classification: Uncertain significance for Inborn genetic diseases. Last evaluated: 2024-03-16. Review status: criteria provided, single submitter. Criteria: Ambry Variant Classification Scheme 2023. Collection method: clinical testing. Allele origin: germline.

Labcorp Genetics (formerly Invitae), Labcorp
Classification: Uncertain significance. Last evaluated: 2024-01-31. Review status: criteria provided, single submitter. Criteria: Invitae Variant Classification Sherloc (09022015). Collection method: clinical testing. Allele origin: germline.
Comment: This sequence change replaces arginine, which is basic and polar, with histidine, which is basic and polar, at codon 1801 of the SPTB protein (p.Arg1801His). This variant is present in population databases (rs755253000, gnomAD 0.05%). This variant has not been reported in the literature in individuals affected with SPTB-related conditions. ClinVar contains an entry for this variant (Variation ID: 1909899). An algorithm developed to predict the effect of missense changes on protein structure and function (PolyPhen-2) suggests that this variant is likely to be tolerated. In summary, the available evidence is currently insufficient to determine the role of this variant in disease. Therefore, it has been classified as a Variant of Uncertain Significance.

NM_001355436.2(SPTB):c.5402G>A (p.Arg1801His)

Gene: SPTB (spectrin beta, erythrocytic; minus strand). Cytogenetic location: 14q23.3.
Variant type: single nucleotide variant.
Coding change: c.5402G>A on transcript NM_001355436.2 (MANE Select); coding-DNA position 5402, G replaced by A.
Protein change: p.Arg1801His; replaces arginine 1801 with histidine.
Molecular consequence: missense variant.
Genome position (GRCh38, 1-based): chr14:64,772,731, C>T on the plus strand (G>A on the coding strand, the complement: SPTB is on the minus strand). VCF-style: chr14-64772731-C-T. GRCh37 (hg19) VCF-style: chr14-65239449-C-T.
Other names: NM_000347.5:c.5402G>A; c.5402G>A, p.Arg1801His (NM_001024858.4, NM_001355437.2); short protein forms R1801H.
Identifiers: ClinVar variation 1909899 (VCV001909899.6), dbSNP rs755253000, ClinGen allele CA7229981.
Genomic context (GRCh38, chr14:64,772,731, plus strand): 5'-GGCAGCTCGCGGTGCTTCTCGTCGATGAGGCCCAGGATCTCGGCACCCGTGTAGAAGTAG[C>T]GGTGCAGGTCATAGGAGGCGGCCAGCAGCTGCATGCGCGTGTCAATGAGCTCCAGGAGGT-3'
Protein context (NP_001342365.1, residues 1791-1811): QLLAASYDLH[Arg1801His]YFYTGAEILG